The following is an entry in ClinVar:

NM_024721.5(ZFHX4):c.5582T>G (p.Ile1861Ser)

Gene: ZFHX4 (zinc finger homeobox 4; plus strand). Cytogenetic location: 8q21.13.
Variant type: single nucleotide variant.
Coding change: c.5582T>G on transcript NM_024721.5 (MANE Select); coding-DNA position 5582, T replaced by G.
Protein change: p.Ile1861Ser; replaces isoleucine 1861 with serine.
Molecular consequence: missense variant.
Genome position (GRCh38, 1-based): chr8:76,852,503, T>G. VCF-style: chr8-76852503-T-G. GRCh37 (hg19) VCF-style: chr8-77764739-T-G.
Other names: c.5504T>G, p.Ile1835Ser (NM_001410934.1); short protein forms I1835S, I1861S.
Identifiers: ClinVar variation 3039261 (VCV003039261.2), dbSNP rs191596643, ClinGen allele CA4787690.

ClinVar aggregate classification (germline): Benign (0 of 4 stars; one submission).

Conditions:
ZFHX4-related disorder. Also called: ZFHX4-related condition.

Allele frequency attached by ClinVar (database versions not stated): gnomAD exomes 0.00018; ExAC 0.00089; gnomAD 0.00175; ESP Exome Variant Server 0.00179; 1000 Genomes Project 30x 0.00203; TOPMed 0.00210; 1000 Genomes Project 0.00220.
gnomAD v4.1: 542 of 1,602,586 alleles (0.034%); highest among the groups gnomAD compares: African/African-American, 0.6%; 1 homozygote.

Submission:

PreventionGenetics, part of Exact Sciences
Classification: Benign for ZFHX4-related condition. Last evaluated: 2019-05-24. Review status: no assertion criteria provided. Collection method: clinical testing. Allele origin: germline.
Comment: This variant is classified as benign based on ACMG/AMP sequence variant interpretation guidelines (Richards et al. 2015 PMID: 25741868, with internal and published modifications).